The following is an entry in ClinVar:

ClinVar aggregate classification (germline): Conflicting classifications of pathogenicity. Review status: criteria provided, conflicting classifications (1 of 4 stars). 2 submissions from 2 submitters: Uncertain significance (1); Benign (1). Last evaluated 2022-01-01.

Conditions:
Mosaic variegated aneuploidy syndrome 1 (MVA1). Also called: Warburton-Anyane-Yeboa syndrome. Identifiers: Orphanet 1052, MedGen C1850343, MONDO:0009759, OMIM 257300.
Ovarian cancer. Also called: OVARIAN CANCER, SOMATIC. Identifiers: Orphanet 213500, MedGen C1140680, MONDO:0008170, OMIM 167000.

Allele frequency attached by ClinVar (database versions not stated): gnomAD exomes below 0.00001 and 0.00002; gnomAD 0.00001; ExAC 0.00002; TOPMed 0.00002.
gnomAD v4.1: 9 of 1,614,064 alleles (0.00056%); highest among the groups gnomAD compares: East Asian, 0.0067%; no homozygotes.

Submissions (2):

Laboratory of Molecular Epidemiology of Birth Defects, West China Second University Hospital, Sichuan University
Classification: Benign for Ovarian cancer. Last evaluated: 2022-01-01. Review status: criteria provided, single submitter. Criteria: ACMG Guidelines, 2015. Collection method: clinical testing. Allele origin: germline. Affected: yes.

Labcorp Genetics (formerly Invitae), Labcorp
Classification: Uncertain significance for Mosaic variegated aneuploidy syndrome 1. Last evaluated: 2018-10-18. Review status: criteria provided, single submitter. Criteria: Invitae Variant Classification Sherloc (09022015). Collection method: clinical testing. Allele origin: germline.
Comment: In summary, the available evidence is currently insufficient to determine the role of this variant in disease. Therefore, it has been classified as a Variant of Uncertain Significance. Algorithms developed to predict the effect of sequence changes on RNA splicing suggest that this variant may create or strengthen a splice site, but this prediction has not been confirmed by published transcriptional studies. Algorithms developed to predict the effect of missense changes on protein structure and function output the following: SIFT: "Tolerated"; PolyPhen-2: "Benign"; Align-GVGD: "Class C0". The serine amino acid residue is found in multiple mammalian species, suggesting that this missense change does not adversely affect protein function. These predictions have not been confirmed by published functional studies and their clinical significance is uncertain. This variant has not been reported in the literature in individuals with BUB1B-related disease. This variant is present in population databases (rs774654439, ExAC 0.01%). This sequence change replaces asparagine with serine at codon 326 of the BUB1B protein (p.Asn326Ser). The asparagine residue is weakly conserved and there is a small physicochemical difference between asparagine and serine.

NM_001211.6(BUB1B):c.977A>G (p.Asn326Ser)

Gene: BUB1B (BUB1 mitotic checkpoint serine/threonine kinase B; plus strand). Cytogenetic location: 15q15.1.
Variant type: single nucleotide variant.
Coding change: c.977A>G on transcript NM_001211.6 (MANE Select); coding-DNA position 977, A replaced by G.
Protein change: p.Asn326Ser; replaces asparagine 326 with serine.
Molecular consequence: missense variant.
Genome position (GRCh38, 1-based): chr15:40,185,561, A>G. VCF-style: chr15-40185561-A-G. GRCh37 (hg19) VCF-style: chr15-40477762-A-G.
Other names: short protein forms N326S.
Identifiers: ClinVar variation 660210 (VCV000660210.12), dbSNP rs774654439, ClinGen allele CA7475622.